The following is an entry in ClinVar:

ClinVar aggregate classification (germline): Likely benign (0 of 4 stars; one submission).

Conditions:
FAT3-related disorder. Also called: FAT3-related condition.

Allele frequency attached by ClinVar (database versions not stated): gnomAD exomes 0.00007; ExAC 0.00024; 1000 Genomes Project 0.00060; gnomAD 0.00065; TOPMed 0.00075; 1000 Genomes Project 30x 0.00078; ESP Exome Variant Server 0.00127.
gnomAD v4.1: 209 of 1,613,650 alleles (0.013%); highest among the groups gnomAD compares: African/African-American, 0.25%; 1 homozygote.

Submission:

PreventionGenetics, part of Exact Sciences
Classification: Likely benign for FAT3-related condition. Last evaluated: 2019-08-01. Review status: no assertion criteria provided. Collection method: clinical testing. Allele origin: germline.
Comment: This variant is classified as likely benign based on ACMG/AMP sequence variant interpretation guidelines (Richards et al. 2015 PMID: 25741868, with internal and published modifications).

NM_001367949.2(FAT3):c.1953C>T (p.Leu651=)

Gene: FAT3 (FAT atypical cadherin 3; plus strand). Cytogenetic location: 11q14.3.
Variant type: single nucleotide variant.
Coding change: c.1953C>T on transcript NM_001367949.2 (MANE Select); coding-DNA position 1953, C replaced by T.
Protein change: p.Leu651=; no amino-acid change (leucine 651 retained).
Molecular consequence: synonymous variant.
Genome position (GRCh38, 1-based): chr11:92,354,065, C>T. VCF-style: chr11-92354065-C-T. GRCh37 (hg19) VCF-style: chr11-92087231-C-T.
Other names: c.1953C>T, p.Leu651= (NM_001008781.3, NM_001378141.1).
Identifiers: ClinVar variation 3035130 (VCV003035130.2), dbSNP rs369683528, ClinGen allele CA6226396.